The following is an entry in ClinVar:

ClinVar aggregate classification (germline): Conflicting classifications of pathogenicity. Review status: criteria provided, conflicting classifications (1 of 4 stars). 2 submissions from 2 submitters: Uncertain significance (1); Likely benign (1). Last evaluated 2025-09-14.

Conditions:
Cardiovascular phenotype. Identifiers: MedGen CN230736.
Capillary malformation-arteriovenous malformation syndrome. Also called: Capillary malformation-arteriovenous malformation. Identifiers: Orphanet 137667, MedGen C1842180, MONDO:0012016.

Allele frequency attached by ClinVar (database versions not stated): gnomAD 0.00001; gnomAD exomes 0.00001; ExAC 0.00003.
gnomAD v4.1: 17 of 1,609,858 alleles (0.0011%); highest among the groups gnomAD compares: South Asian, 0.016%; no homozygotes.

Submissions (2):

Labcorp Genetics (formerly Invitae), Labcorp
Classification: Uncertain significance for Capillary malformation-arteriovenous malformation syndrome. Last evaluated: 2025-09-14. Review status: criteria provided, single submitter. Criteria: Invitae Variant Classification Sherloc (09022015). Collection method: clinical testing. Allele origin: germline.
Comment: This sequence change replaces isoleucine, which is neutral and non-polar, with valine, which is neutral and non-polar, at codon 423 of the RASA1 protein (p.Ile423Val). This variant is present in population databases (rs749848937, gnomAD 0.02%). This variant has not been reported in the literature in individuals affected with RASA1-related conditions. ClinVar contains an entry for this variant (Variation ID: 2453883). An algorithm developed to predict the effect of missense changes on protein structure and function (PolyPhen-2) suggests that this variant is likely to be disruptive. In summary, the available evidence is currently insufficient to determine the role of this variant in disease. Therefore, it has been classified as a Variant of Uncertain Significance.

Ambry Genetics
Classification: Likely benign for Cardiovascular phenotype. Last evaluated: 2022-11-07. Review status: criteria provided, single submitter. Criteria: Ambry Variant Classification Scheme 2023. Collection method: clinical testing. Allele origin: germline.

NM_002890.3(RASA1):c.1267A>G (p.Ile423Val)

Genes: CCNH (cyclin H; minus strand), RASA1 (RAS p21 protein activator 1; plus strand). Cytogenetic location: 5q14.3.
Variant type: single nucleotide variant.
Coding change: c.1267A>G on transcript NM_002890.3 (MANE Select); coding-DNA position 1267, A replaced by G.
Protein change: p.Ile423Val; replaces isoleucine 423 with valine.
Molecular consequence: missense variant. On other transcripts: intron variant (1).
Genome position (GRCh38, 1-based): chr5:87,353,170, A>G. VCF-style: chr5-87353170-A-G. GRCh37 (hg19) VCF-style: chr5-86648987-A-G.
Other names: c.736A>G, p.Ile246Val (NM_022650.3); c.934-40375T>C (NM_001364075.2); short protein forms I246V, I423V.
Identifiers: ClinVar variation 2453883 (VCV002453883.5), dbSNP rs749848937, ClinGen allele CA3335700.